The following is an entry in ClinVar:

ClinVar aggregate classification (germline): Pathogenic/Likely pathogenic. Review status: criteria provided, multiple submitters, no conflicts (2 of 4 stars). 3 submissions from 3 submitters: Pathogenic (2); Likely pathogenic (1). Last evaluated 2025-09-26.

Conditions:
Deficiency of galactokinase. Also called: Galactokinase deficiency with cataracts; GALACTOSEMIA II. Identifiers: Orphanet 352, Orphanet 79237, MedGen C0268155, MONDO:0009255, OMIM 230200.

Allele frequency attached by ClinVar (database versions not stated): TOPMed below 0.00001; gnomAD 0.00001; gnomAD exomes 0.00001 and 0.00002.
gnomAD v4.1: 5 of 1,612,758 alleles (0.00031%); highest among the groups gnomAD compares: Admixed American, 0.0067%; no homozygotes.

Submissions (3):

Natera, Inc.
Classification: Likely pathogenic for Deficiency of galactokinase. Last evaluated: 2025-09-26. Review status: criteria provided, single submitter. Criteria: Natera Variant Classification Schema (03/2026). Collection method: clinical testing. Allele origin: germline.
Comment: The c.611+1G>T variant in GALK1 is a canonical splice donor site variant predicted to affect pre-mRNA splicing, which may result in an abnormal transcript and altered protein product. This variant is expected to result in nonsense mediated decay, truncation, or a dysfunctional protein product. This variant is rare in the general population with a frequency below the threshold expected for the associated phenotype(s). Given the available evidence, this variant is classified as Likely Pathogenic.

Fulgent Genetics
Classification: Pathogenic for Deficiency of galactokinase. Last evaluated: 2024-04-29. Review status: criteria provided, single submitter. Criteria: ACMG Guidelines, 2015. Collection method: clinical testing. Allele origin: germline.

Labcorp Genetics (formerly Invitae), Labcorp
Classification: Pathogenic for Deficiency of galactokinase. Last evaluated: 2023-08-18. Review status: criteria provided, single submitter. Criteria: Invitae Variant Classification Sherloc (09022015). Collection method: clinical testing. Allele origin: germline.
Comment: This variant is present in population databases (no rsID available, gnomAD 0.009%). This sequence change affects a donor splice site in intron 4 of the GALK1 gene. It is expected to disrupt RNA splicing. Variants that disrupt the donor or acceptor splice site typically lead to a loss of protein function (PMID: 16199547), and loss-of-function variants in GALK1 are known to be pathogenic (PMID: 7670469, 10790206). Disruption of this splice site has been observed in individual(s) with galactokinase deficiency (PMID: 10790206). For these reasons, this variant has been classified as Pathogenic. Algorithms developed to predict the effect of sequence changes on RNA splicing suggest that this variant may disrupt the consensus splice site. Experimental studies have shown that disruption of this splice site affects GALK1 function (PMID: 10790206). Algorithms developed to predict the effect of variants on protein structure and function are not available or were not evaluated for this variant. ClinVar contains an entry for this variant (Variation ID: 944717).

Literature cited by the submitters: PubMed 16199547 (cited by Labcorp Genetics (formerly Invitae), Labcorp); PubMed 7670469 (cited by Labcorp Genetics (formerly Invitae), Labcorp); PubMed 10790206 (cited by Labcorp Genetics (formerly Invitae), Labcorp).

NM_000154.2(GALK1):c.611+1G>T

Gene: GALK1 (galactokinase 1; minus strand). Cytogenetic location: 17q25.1.
Variant type: single nucleotide variant.
Coding change: c.611+1G>T on transcript NM_000154.2 (MANE Select); the canonical splice donor site of the intron after coding-DNA position 611, G replaced by T.
Molecular consequence: splice donor variant.
Genome position (GRCh38, 1-based): chr17:75,763,013, C>A on the plus strand (G>T on the coding strand, the complement: GALK1 is on the minus strand). VCF-style: chr17-75763013-C-A. GRCh37 (hg19) VCF-style: chr17-73759094-C-A.
Other names: c.611+1G>T (NM_001381985.1).
Identifiers: ClinVar variation 944717 (VCV000944717.14), dbSNP rs982043960, ClinGen allele CA294089013.